The following is an entry in ClinVar:

ClinVar aggregate classification (germline): Uncertain significance (1 of 4 stars; one submission).

Conditions:
Cardiac arrhythmia. Also called: Arrhythmia; Cardiac rhythm disease. Identifiers: MedGen C0003811, MONDO:0007263, HP:0011675.

Submission:

Labcorp Genetics (formerly Invitae), Labcorp
Classification: Uncertain significance for Cardiac arrhythmia. Last evaluated: 2025-03-11. Review status: criteria provided, single submitter. Criteria: Invitae Variant Classification Sherloc (09022015). Collection method: clinical testing. Allele origin: germline.
Comment: This sequence change replaces glutamine, which is neutral and polar, with glutamic acid, which is acidic and polar, at codon 86 of the RANGRF protein (p.Gln86Glu). This variant is not present in population databases (gnomAD no frequency). This variant has not been reported in the literature in individuals affected with RANGRF-related conditions. An algorithm developed to predict the effect of missense changes on protein structure and function (PolyPhen-2) suggests that this variant is likely to be tolerated. In summary, the available evidence is currently insufficient to determine the role of this variant in disease. Therefore, it has been classified as a Variant of Uncertain Significance.

NM_016492.5(RANGRF):c.256C>G (p.Gln86Glu)

Genes: RANGRF (RAN guanine nucleotide release factor; plus strand), SLC25A35 (solute carrier family 25 member 35; minus strand). Cytogenetic location: 17p13.1.
Variant type: single nucleotide variant.
Coding change: c.256C>G on transcript NM_016492.5 (MANE Select); coding-DNA position 256, C replaced by G.
Protein change: p.Gln86Glu; replaces glutamine 86 with glutamic acid.
Molecular consequence: missense variant. On other transcripts: 3 prime UTR variant (2), non-coding transcript variant (2), intron variant (1).
Genome position (GRCh38, 1-based): chr17:8,289,319, C>G. VCF-style: chr17-8289319-C-G. GRCh37 (hg19) VCF-style: chr17-8192637-C-G.
Other names: c.256C>G, p.Gln86Glu (NM_001177801.2, NM_001177802.2, NM_001330127.2); c.*164G>C (NM_001320872.2); c.*297G>C (NM_201520.3); c.*42+255G>C (NM_001320871.2); short protein forms Q86E.
Identifiers: ClinVar variation 4714847 (VCV004714847.1).